The following is an entry in ClinVar:

NM_001330260.2(SCN8A):c.1969T>C (p.Ser657Pro)

Gene: SCN8A (sodium voltage-gated channel alpha subunit 8; plus strand). Cytogenetic location: 12q13.13.
Variant type: single nucleotide variant.
Coding change: c.1969T>C on transcript NM_001330260.2 (MANE Select); coding-DNA position 1969, T replaced by C.
Protein change: p.Ser657Pro; replaces serine 657 with proline.
Molecular consequence: missense variant.
Genome position (GRCh38, 1-based): chr12:51,721,879, T>C. VCF-style: chr12-51721879-T-C. GRCh37 (hg19) VCF-style: chr12-52115663-T-C.
Other names: c.1969T>C, p.Ser657Pro (NM_001177984.3, NM_001369788.1, NM_014191.4); short protein forms S657P.
Identifiers: ClinVar variation 1041662 (VCV001041662.9), dbSNP rs1429377869, ClinGen allele CA385229961.

ClinVar aggregate classification (germline): Uncertain significance (1 of 4 stars; one submission).

Conditions:
Early-infantile DEE. Also called: Ohtahara syndrome; Early infantile epileptic encephalopathy with suppression bursts; Early infantile epileptic encephalopathy. Identifiers: Orphanet 1934, MedGen C0393706, MONDO:0800491.

Allele frequency attached by ClinVar (database versions not stated): gnomAD exomes below 0.00001; TOPMed 0.00001.
gnomAD v4.1: 2 of 1,601,556 alleles (0.00012%); highest among the groups gnomAD compares: South Asian, 0.0011%; no homozygotes.

Submission:

Labcorp Genetics (formerly Invitae), Labcorp
Classification: Uncertain significance for Early-infantile DEE. Last evaluated: 2020-06-18. Review status: criteria provided, single submitter. Criteria: Invitae Variant Classification Sherloc (09022015). Collection method: clinical testing. Allele origin: germline.
Comment: In summary, the available evidence is currently insufficient to determine the role of this variant in disease. Therefore, it has been classified as a Variant of Uncertain Significance. Algorithms developed to predict the effect of missense changes on protein structure and function (SIFT, PolyPhen-2, Align-GVGD) all suggest that this variant is likely to be tolerated, but these predictions have not been confirmed by published functional studies and their clinical significance is uncertain. This variant has not been reported in the literature in individuals with SCN8A-related conditions. This variant is not present in population databases (ExAC no frequency). This sequence change replaces serine with proline at codon 657 of the SCN8A protein (p.Ser657Pro). The serine residue is highly conserved and there is a moderate physicochemical difference between serine and proline.